The following is an entry in ClinVar:

ClinVar aggregate classification (germline): Pathogenic/Likely pathogenic. Review status: criteria provided, multiple submitters, no conflicts (2 of 4 stars). 4 submissions from 4 submitters: Pathogenic (1); Likely pathogenic (3). Last evaluated 2024-11-01.

Conditions:
Marfan syndrome (MFS). Also called: MARFAN SYNDROME, TYPE I; FBN1-Related Marfan Syndrome; Marfan syndrome, classic; Marfan syndrome type 1; Marfan's syndrome. Identifiers: Orphanet 284963, Orphanet 558, MedGen C0024796, MONDO:0007947, OMIM 154700.
Familial thoracic aortic aneurysm and aortic dissection (TAAD). Also called: Thoracic aortic aneurysms and dissections. Identifiers: Orphanet 91387, MedGen C4707243, MONDO:0019625.

Submissions (4):

GeneDx
Classification: Likely pathogenic. Last evaluated: 2024-11-01. Review status: criteria provided, single submitter. Criteria: GeneDx Variant Classification Process June 2021. Collection method: clinical testing. Allele origin: germline. Affected: yes.
Comment: Not observed at significant frequency in large population cohorts (gnomAD); Has not been previously published as pathogenic or benign to our knowledge; Affects a cysteine residue within an EGF-like domain of the FBN1 gene, which may affect disulfide bonding and is predicted to alter the structure and function of the protein; cysteine substitutions in the EGF-like domains represent the majority of pathogenic missense changes associated with FBN1-related disorders; In silico analysis supports that this missense variant has a deleterious effect on protein structure/function; This variant is associated with the following publications: (PMID: 12938084)

Labcorp Genetics (formerly Invitae), Labcorp
Classification: Pathogenic for Marfan syndrome; Familial thoracic aortic aneurysm and aortic dissection. Last evaluated: 2024-09-05. Review status: criteria provided, single submitter. Criteria: Invitae Variant Classification Sherloc (09022015). Collection method: clinical testing. Allele origin: germline.
Comment: This sequence change replaces cysteine, which is neutral and slightly polar, with tyrosine, which is neutral and polar, at codon 2418 of the FBN1 protein (p.Cys2418Tyr). This variant is not present in population databases (gnomAD no frequency). This missense change has been observed in individual(s) with aortic aneurysm and/or dissection (internal data). In at least one individual the variant was observed to be de novo. ClinVar contains an entry for this variant (Variation ID: 200110). Invitae Evidence Modeling of protein sequence and biophysical properties (such as structural, functional, and spatial information, amino acid conservation, physicochemical variation, residue mobility, and thermodynamic stability) indicates that this missense variant is expected to disrupt FBN1 protein function with a positive predictive value of 95%. This variant affects a cysteine residue in the EGF-like, TGFBP or hybrid motif domains of FBN1. Cysteine residues are believed to be involved in intramolecular disulfide bridges and have been shown to be important for FBN1 protein structure (PMID: 16905551, 19349279). In addition, missense substitutions affecting cysteine residues within these domains are significantly overrepresented among patients with Marfan syndrome (PMID: 16571647, 17701892). This variant disrupts the p.Cys2418 amino acid residue in FBN1. Other variant(s) that disrupt this residue have been observed in individuals with FBN1-related conditions (PMID: 32679894, 33174221), which suggests that this may be a clinically significant amino acid residue. For these reasons, this variant has been classified as Pathogenic.

Color Diagnostics, LLC DBA Color Health
Classification: Likely pathogenic for Familial thoracic aortic aneurysm and aortic dissection. Last evaluated: 2024-04-16. Review status: criteria provided, single submitter. Criteria: ACMG Guidelines, 2015. Collection method: clinical testing. Allele origin: germline.
Comment: This variant affects a cysteine residue located within a calcium-binding EGF-like domain of the FBN1 protein. Cysteine residues in cbEGF-like domains are involved in the formation of disulfide bridges, which are critical for FBN1 protein structure and stability (PMID: 4750422, 16677079). Computational prediction tools indicate that this variant has a deleterious impact on protein structure and function. To our knowledge, functional studies have not been reported for this variant. This variant has been reported in at least two individuals affected with Marfan syndrome (ClinVar SCV001577608.4, SCV000233900.10). This variant has not been identified in the general population by the Genome Aggregation Database (gnomAD). Based on the available evidence, this variant is classified as Likely Pathogenic.

All of Us Research Program, National Institutes of Health
Classification: Likely pathogenic for Marfan syndrome. Last evaluated: 2024-02-28. Review status: criteria provided, single submitter. Criteria: ACMG Guidelines, 2015. Collection method: clinical testing. Allele origin: germline. Inheritance: Autosomal dominant inheritance. Observed: 1 variant allele, 1 heterozygote.
Comment: To date, this variant has not been reported in association with human disease in the medical literature. It is absent from large population databases, including the Genome Aggregation Database. This missense substitution results in a substitution of a Cysteine residue in a cb-EGF-like domain, which is a known disease mechanism in this gene. It is predicted to be deleterious by in silico analysis. Other missense variants at this amino acid position have been reported as likely pathogenic (ClinVar variant IDs: 549398 and 1691559).

This study involves interpretation of variants in research participants for the purpose of population health screening. Participant phenotype was not available at the time of variant classification. Additional details can be found in publication PMID: 35346344, PMCID: PMC8962531

Literature cited by the submitters: PubMed 16905551 (cited by Labcorp Genetics (formerly Invitae), Labcorp); PubMed 19349279 (cited by Labcorp Genetics (formerly Invitae), Labcorp); PubMed 16571647 (cited by Labcorp Genetics (formerly Invitae), Labcorp); PubMed 17701892 (cited by Labcorp Genetics (formerly Invitae), Labcorp); PubMed 32679894 (cited by Labcorp Genetics (formerly Invitae), Labcorp); PubMed 33174221 (cited by Labcorp Genetics (formerly Invitae), Labcorp); PubMed 4750422 (cited by Color Diagnostics, LLC DBA Color Health); PubMed 16677079 (cited by Color Diagnostics, LLC DBA Color Health).

NM_000138.5(FBN1):c.7253G>A (p.Cys2418Tyr)

Gene: FBN1 (fibrillin 1; minus strand). Cytogenetic location: 15q21.1.
Variant type: single nucleotide variant.
Coding change: c.7253G>A on transcript NM_000138.5 (MANE Select); coding-DNA position 7253, G replaced by A.
Protein change: p.Cys2418Tyr; replaces cysteine 2418 with tyrosine.
Molecular consequence: missense variant.
Genome position (GRCh38, 1-based): chr15:48,425,816, C>T on the plus strand (G>A on the coding strand, the complement: FBN1 is on the minus strand). VCF-style: chr15-48425816-C-T. GRCh37 (hg19) VCF-style: chr15-48718013-C-T.
Other names: p.C2418Y:TGT>TAT; short protein forms C2418Y.
Identifiers: ClinVar variation 200110 (VCV000200110.13), dbSNP rs794728270, ClinGen allele CA017141.